The following is an entry in ClinVar:

ClinVar aggregate classification (germline): Likely pathogenic (1 of 4 stars; one submission).

gnomAD v4.1: 2 of 1,613,820 alleles (0.00012%); highest among the groups gnomAD compares: Admixed American, 0.0017%; no homozygotes.

Submission:

GeneDx
Classification: Likely pathogenic. Last evaluated: 2023-04-24. Review status: criteria provided, single submitter. Criteria: GeneDx Variant Classification Process June 2021. Collection method: clinical testing. Allele origin: germline. Affected: yes.
Comment: Nonsense variant predicted to result in protein truncation or nonsense mediated decay in a gene for which loss-of-function is a known mechanism of disease; Not observed in large population cohorts (gnomAD); Has not been previously published as pathogenic or benign to our knowledge

NM_003922.4(HERC1):c.4273C>T (p.Arg1425Ter)

Gene: HERC1 (HECT and RLD domain containing E3 ubiquitin protein ligase family member 1; minus strand). Cytogenetic location: 15q22.31.
Variant type: single nucleotide variant.
Coding change: c.4273C>T on transcript NM_003922.4 (MANE Select); coding-DNA position 4273, C replaced by T.
Protein change: p.Arg1425Ter; replaces arginine 1425 with a stop codon.
Molecular consequence: nonsense.
Genome position (GRCh38, 1-based): chr15:63,713,543, G>A on the plus strand (C>T on the coding strand, the complement: HERC1 is on the minus strand). VCF-style: chr15-63713543-G-A. GRCh37 (hg19) VCF-style: chr15-64005742-G-A.
Other names: short protein forms R1425*.
Identifiers: ClinVar variation 1201996 (VCV001201996.4), dbSNP rs1274296464, ClinGen allele CA392753163.